The following is an entry in ClinVar:

ClinVar aggregate classification (germline): Uncertain significance (1 of 4 stars; one submission).

gnomAD v4.1: 1 of 1,614,062 alleles (0.000062%); highest among the groups gnomAD compares: Admixed American, 0.0017%; no homozygotes.

Submission:

Women's Health and Genetics/Laboratory Corporation of America, LabCorp
Classification: Uncertain significance. Last evaluated: 2025-07-09. Review status: criteria provided, single submitter. Criteria: LabCorp Variant Classification Summary - May 2015. Collection method: clinical testing. Allele origin: germline.
Comment: Variant summary: BMP1 c.1301T>G (p.Ile434Ser) results in a non-conservative amino acid change in the encoded protein sequence. Algorithms developed to predict the effect of missense changes on protein structure and function are either unavailable or do not agree on the potential impact of this missense change. The variant allele was found at a frequency of 4e-06 in 251362 control chromosomes. The available data on variant occurrences in the general population are insufficient to allow any conclusion about variant significance. To our knowledge, no occurrence of c.1301T>G in individuals affected with Osteogenesis Imperfecta and no experimental evidence demonstrating its impact on protein function have been reported. No submitters have cited clinical-significance assessments for this variant to ClinVar. Based on the evidence outlined above, the variant was classified as uncertain significance.

NM_006129.5(BMP1):c.1301T>G (p.Ile434Ser)

Genes: BMP1 (bone morphogenetic protein 1; plus strand), LOC113788269 (BRD4-independent group 4 enhancer GRCh37_chr8:22052064-22053263; plus strand). Cytogenetic location: 8p21.3.
Variant type: single nucleotide variant.
Coding change: c.1301T>G on transcript NM_006129.5 (MANE Select); coding-DNA position 1301, T replaced by G.
Protein change: p.Ile434Ser; replaces isoleucine 434 with serine.
Molecular consequence: missense variant. On other transcripts: non-coding transcript variant (2).
Genome position (GRCh38, 1-based): chr8:22,194,448, T>G. VCF-style: chr8-22194448-T-G. GRCh37 (hg19) VCF-style: chr8-22051961-T-G.
Other names: c.1301T>G, p.Ile434Ser (NM_001199.4); short protein forms I434S.
Identifiers: ClinVar variation 4526017 (VCV004526017.1).
Genomic context (GRCh38, chr8:22,194,448, plus strand): 5'-GCAGGGCAAAGCATGCTGACTCACCACCCCTTCCCACCCCATCCTGTGTCCCCACAGCCA[T>G]CTGCGGGGGTGATGTGAAAAAGGACTATGGCCACATTCAATCGCCCAACTACCCAGACGA-3'
Protein context (NP_006120.1, residues 424-444): GKGFFAVYEA[Ile434Ser]CGGDVKKDYG